The following is an entry in ClinVar:

NM_016239.4(MYO15A):c.5300C>T (p.Ala1767Val)

Gene: MYO15A (myosin XVA; plus strand). Cytogenetic location: 17p11.2.
Variant type: single nucleotide variant.
Coding change: c.5300C>T on transcript NM_016239.4 (MANE Select); coding-DNA position 5300, C replaced by T.
Protein change: p.Ala1767Val; replaces alanine 1767 with valine.
Molecular consequence: missense variant.
Genome position (GRCh38, 1-based): chr17:18,140,605, C>T. VCF-style: chr17-18140605-C-T. GRCh37 (hg19) VCF-style: chr17-18043919-C-T.
Other names: short protein forms A1767V.
Identifiers: ClinVar variation 4688372 (VCV004688372.1).

ClinVar aggregate classification (germline): Uncertain significance (1 of 4 stars; one submission).

gnomAD v4.1: 12 of 1,613,672 alleles (0.00074%); highest among the groups gnomAD compares: Admixed American, 0.005%; no homozygotes.

Submission:

Women's Health and Genetics/Laboratory Corporation of America, LabCorp
Classification: Uncertain significance. Last evaluated: 2025-12-11. Review status: criteria provided, single submitter. Criteria: LabCorp Variant Classification Summary - May 2015. Collection method: clinical testing. Allele origin: germline.
Comment: Variant summary: MYO15A c.5300C>T (p.Ala1767Val) results in a non-conservative amino acid change in the encoded protein sequence. Algorithms developed to predict the effect of missense changes on protein structure and function all suggest that this variant is likely to be disruptive. The variant allele was found at a frequency of 1.6e-05 in 249344 control chromosomes. The available data on variant occurrences in the general population are insufficient to allow any conclusion about variant significance. c.5300C>T has been observed in at least one individual affected with sensorineural hearing impairment (example: Gombojav_2024). This report does not provide unequivocal conclusions about association of the variant with Autosomal Recessive Nonsyndromic Hearing Loss 3. To our knowledge, no experimental evidence demonstrating an impact on protein function has been reported. The following publication has been ascertained in the context of this evaluation (PMID: 39336818). No submitters have cited clinical-significance assessments for this variant to ClinVar. Based on the evidence outlined above, the variant was classified as uncertain significance.

Literature cited by the submitters: PubMed 39336818.